The following is an entry in ClinVar:

ClinVar aggregate classification (germline): Likely pathogenic (1 of 4 stars; one submission).

Submission:

Labcorp Genetics (formerly Invitae), Labcorp
Classification: Likely pathogenic. Last evaluated: 2023-09-09. Review status: criteria provided, single submitter. Criteria: Invitae Variant Classification Sherloc (09022015). Collection method: clinical testing. Allele origin: germline.
Comment: This sequence change replaces glycine, which is neutral and non-polar, with serine, which is neutral and polar, at codon 47 of the TYR protein (p.Gly47Ser). This variant is not present in population databases (gnomAD no frequency). This missense change has been observed in individual(s) with ocular albinism (PMID: 26167114). In at least one individual the data is consistent with being in trans (on the opposite chromosome) from a pathogenic variant. ClinVar contains an entry for this variant (Variation ID: 242611). Advanced modeling of protein sequence and biophysical properties (such as structural, functional, and spatial information, amino acid conservation, physicochemical variation, residue mobility, and thermodynamic stability) performed at Invitae indicates that this missense variant is expected to disrupt TYR protein function. This variant disrupts the p.Gly47 amino acid residue in TYR. Other variant(s) that disrupt this residue have been determined to be pathogenic (PMID: 1676041, 8128955, 8434585, 16417222). This suggests that this residue is clinically significant, and that variants that disrupt this residue are likely to be disease-causing. In summary, the currently available evidence indicates that the variant is pathogenic, but additional data are needed to prove that conclusively. Therefore, this variant has been classified as Likely Pathogenic.

Literature cited by the submitters: PubMed 26167114; PubMed 1676041; PubMed 8128955; PubMed 8434585; PubMed 16417222.

NM_000372.4(TYR):c.139G>A

Gene: TYR (tyrosinase; plus strand). Cytogenetic location: 11q14.3.
Variant type: single nucleotide variant.
Coding change: c.139G>A on transcript NM_000372.4; coding-DNA position 139, G replaced by A.
Molecular consequence: missense variant (on NM_000372.5).
Genome position (GRCh38, 1-based): chr11:89,178,092, G>A. VCF-style: chr11-89178092-G-A. GRCh37 (hg19) VCF-style: chr11-88911260-G-A.
Other names: c.139G>A, p.Gly47Ser (NM_000372.5); short protein forms G47S.
Identifiers: ClinVar variation 242611 (VCV000242611.4), dbSNP rs796051878, ClinGen allele CA052930.